The following is an entry in ClinVar:

NM_198129.4(LAMA3):c.7481+1G>C

Gene: LAMA3 (laminin subunit alpha 3; plus strand). Cytogenetic location: 18q11.2.
Variant type: single nucleotide variant.
Coding change: c.7481+1G>C on transcript NM_198129.4 (MANE Select); the canonical splice donor site of the intron after coding-DNA position 7481, G replaced by C.
Molecular consequence: splice donor variant.
Genome position (GRCh38, 1-based): chr18:23,914,562, G>C. VCF-style: chr18-23914562-G-C. GRCh37 (hg19) VCF-style: chr18-21494526-G-C.
Other names: c.7313+1G>C (NM_001127717.4); c.2654+1G>C (NM_000227.6); c.2486+1G>C (NM_001127718.4).
Identifiers: ClinVar variation 4081714 (VCV004081714.1).

ClinVar aggregate classification (germline): Likely pathogenic (1 of 4 stars; one submission).

Conditions:
Junctional epidermolysis bullosa. Identifiers: Orphanet 305, MedGen C0079301, MONDO:0017612.

gnomAD v4.1: 3 of 1,613,956 alleles (0.00019%); highest among the groups gnomAD compares: Non-Finnish European, 0.00025%; no homozygotes.

Submission:

Myriad Genetics, Inc.
Classification: Likely pathogenic for Junctional epidermolysis bullosa. Last evaluated: 2025-05-12. Review status: criteria provided, single submitter. Criteria: Myriad Autosomal Dominant, Autosomal Recessive and X-Linked Classification Criteria (2023). Collection method: clinical testing. Allele origin: unknown.
Comment: NM_000227.3(LAMA3):c.2654+1G>C is a variant in a canonical splice site classified as likely pathogenic in the context of junctional epidermolysis bullosa, LAMA3-related. c.2654+1G>C has not been observed in cases with relevant disease. Relevant functional assessments of this variant are not available in the literature. c.2654+1G>C has not been observed in referenced population frequency databases. In summary, NM_000227.3(LAMA3):c.2654+1G>C is a variant in a canonical splice site in a gene where loss of function is a known mechanism of disease and is predicted to disrupt protein function. Please note: this variant was assessed in the context of healthy population screening.